The following is an entry in ClinVar:

ClinVar aggregate classification (germline): Benign. Review status: criteria provided, multiple submitters, no conflicts (2 of 4 stars). 3 submissions from 3 submitters: Benign (2). 1 of the submissions does not count toward it. Last evaluated 2019-12-31.

Conditions:
CSMD1-related disorder. Also called: CSMD1-related condition.

Allele frequency attached by ClinVar (database versions not stated): 1000 Genomes Project 0.00220; 1000 Genomes Project 30x 0.00234; ESP Exome Variant Server 0.00297; TOPMed 0.00358.
gnomAD v4.1: 1,107 of 1,611,704 alleles (0.069%); highest among the groups gnomAD compares: African/African-American, 1.3%; 5 homozygotes.

Submissions (3):

Labcorp Genetics (formerly Invitae), Labcorp
Classification: Benign. Last evaluated: 2019-12-31. Review status: criteria provided, single submitter. Criteria: Invitae Variant Classification Sherloc (09022015). Collection method: clinical testing. Allele origin: germline.

Breakthrough Genomics
Classification: Benign. Review status: criteria provided, single submitter. Criteria: ACMG Guidelines, 2015. Collection method: not provided. Allele origin: germline. Inheritance: Unknown mechanism. Affected: yes.

PreventionGenetics, part of Exact Sciences
Classification: Benign for CSMD1-related condition. Last evaluated: 2019-05-08. Review status: no assertion criteria provided. Collection method: clinical testing. Allele origin: germline. Not counted in ClinVar's aggregate classification.
Comment: This variant is classified as benign based on ACMG/AMP sequence variant interpretation guidelines (Richards et al. 2015 PMID: 25741868, with internal and published modifications).

NM_033225.6(CSMD1):c.3643G>T (p.Val1215Leu)

Gene: CSMD1 (CUB and Sushi multiple domains 1; minus strand). Cytogenetic location: 8p23.2.
Variant type: single nucleotide variant.
Coding change: c.3643G>T on transcript NM_033225.6 (MANE Select); coding-DNA position 3643, G replaced by T.
Protein change: p.Val1215Leu; replaces valine 1215 with leucine.
Molecular consequence: missense variant.
Genome position (GRCh38, 1-based): chr8:3,308,492, C>A on the plus strand (G>T on the coding strand, the complement: CSMD1 is on the minus strand). VCF-style: chr8-3308492-C-A. GRCh37 (hg19) VCF-style: chr8-3166014-C-A.
Other names: short protein forms V1215L.
Identifiers: ClinVar variation 711483 (VCV000711483.7), dbSNP rs73657807, ClinGen allele CA4607740.